The following is an entry in ClinVar:

ClinVar aggregate classification (germline): Likely benign. Review status: criteria provided, multiple submitters, no conflicts (2 of 4 stars). 3 submissions from 3 submitters: Likely benign (2). 1 of the submissions does not count toward it. Last evaluated 2026-01-07.

Conditions:
Charcot-Marie-Tooth disease dominant intermediate C (CMTDIC). Also called: CHARCOT-MARIE-TOOTH NEUROPATHY, DOMINANT INTERMEDIATE C. Identifiers: Orphanet 100045, MedGen C1842237, MONDO:0012012, OMIM 608323.
YARS1-related disorder. Also called: YARS1-related condition.
Inborn genetic diseases. Identifiers: MedGen C0950123, MeSH D030342.

Allele frequency attached by ClinVar (database versions not stated): TOPMed 0.00012; gnomAD 0.00013 and 0.00015; ExAC 0.00025; gnomAD exomes 0.00025; 1000 Genomes Project 0.00060; 1000 Genomes Project 30x 0.00078.
gnomAD v4.1: 167 of 1,614,114 alleles (0.01%); highest among the groups gnomAD compares: East Asian, 0.3%; no homozygotes.

Submissions (5):

Labcorp Genetics (formerly Invitae), Labcorp
Classification: Likely benign for Charcot-Marie-Tooth disease dominant intermediate C. Last evaluated: 2026-01-07. Review status: criteria provided, single submitter. Criteria: Invitae Variant Classification Sherloc (09022015). Collection method: clinical testing. Allele origin: germline.

Ambry Genetics
Classification: Likely benign for Inborn genetic diseases. Last evaluated: 2020-10-01. Review status: criteria provided, single submitter. Criteria: Ambry Variant Classification Scheme 2023. Collection method: clinical testing. Allele origin: germline.

PreventionGenetics, part of Exact Sciences
Classification: Likely benign for YARS1-related condition. Last evaluated: 2020-05-11. Review status: no assertion criteria provided. Collection method: clinical testing. Allele origin: germline. Not counted in ClinVar's aggregate classification.
Comment: This variant is classified as likely benign based on ACMG/AMP sequence variant interpretation guidelines (Richards et al. 2015 PMID: 25741868, with internal and published modifications).

Dr. Peter K. Rogan Lab, Western University
No classification provided (evidence only). Condition: Hepatocellular carcinoma. Review status: no classification provided. Collection method: in vitro. Allele origin: not applicable. Functional consequence: retained intron. Not counted in ClinVar's aggregate classification.

Dr. Peter K. Rogan Lab, Western University
No classification provided (evidence only). Condition: Hepatocellular carcinoma. Review status: no classification provided. Collection method: in vitro. Allele origin: not applicable. Functional consequence: retained intron. Not counted in ClinVar's aggregate classification.

NM_003680.4(YARS1):c.1333A>G (p.Ile445Val)

Gene: YARS1 (tyrosyl-tRNA synthetase 1; minus strand). Cytogenetic location: 1p35.1.
Variant type: single nucleotide variant.
Coding change: c.1333A>G on transcript NM_003680.4 (MANE Select); coding-DNA position 1333, A replaced by G.
Protein change: p.Ile445Val; replaces isoleucine 445 with valine.
Molecular consequence: missense variant.
Genome position (GRCh38, 1-based): chr1:32,780,086, T>C on the plus strand (A>G on the coding strand, the complement: YARS1 is on the minus strand). VCF-style: chr1-32780086-T-C. GRCh37 (hg19) VCF-style: chr1-33245687-T-C.
Other names: short protein forms I445V.
Identifiers: ClinVar variation 1681480 (VCV001681480.13), dbSNP rs76862302, ClinGen allele CA744928.